The following is an entry in ClinVar:

NM_006260.5(DNAJC3):c.638C>T (p.Ala213Val)

Gene: DNAJC3 (DnaJ heat shock protein family (Hsp40) member C3; plus strand). Cytogenetic location: 13q32.1.
Variant type: single nucleotide variant.
Coding change: c.638C>T on transcript NM_006260.5 (MANE Select); coding-DNA position 638, C replaced by T.
Protein change: p.Ala213Val; replaces alanine 213 with valine.
Molecular consequence: missense variant.
Genome position (GRCh38, 1-based): chr13:95,760,131, C>T. VCF-style: chr13-95760131-C-T. GRCh37 (hg19) VCF-style: chr13-96412385-C-T.
Other names: p.Ala213Val; short protein forms A213V.
Identifiers: ClinVar variation 4541793 (VCV004541793.1).

ClinVar aggregate classification (germline): Uncertain significance (1 of 4 stars; one submission).

gnomAD v4.1: 4 of 1,612,990 alleles (0.00025%); highest among the groups gnomAD compares: Non-Finnish European, 0.00034%; no homozygotes.

Submission:

Mayo Clinic Laboratories, Mayo Clinic
Classification: Uncertain significance. Last evaluated: 2025-10-06. Review status: criteria provided, single submitter. Criteria: ACMG Guidelines, 2015. Collection method: clinical testing. Allele origin: germline. Observed: 1 variant allele.
Comment: PM2_supporting